The following is an entry in ClinVar:

ClinVar aggregate classification (germline): Uncertain significance. Review status: criteria provided, multiple submitters, no conflicts (2 of 4 stars). 2 submissions from 2 submitters: Uncertain significance (2). Last evaluated 2023-12-18.

Conditions:
Duchenne muscular dystrophy (DMD). Also called: Duchenne Muscular Dystrophy (DMD); MUSCULAR DYSTROPHY, PSEUDOHYPERTROPHIC PROGRESSIVE, DUCHENNE TYPE. Identifiers: Orphanet 98896, MedGen C0013264, MONDO:0010679, OMIM 310200.
Cardiovascular phenotype. Identifiers: MedGen CN230736.

Allele frequency attached by ClinVar (database versions not stated): gnomAD 0.00001; TOPMed 0.00002.

Submissions (2):

Labcorp Genetics (formerly Invitae), Labcorp
Classification: Uncertain significance for Duchenne muscular dystrophy. Last evaluated: 2023-12-18. Review status: criteria provided, single submitter. Criteria: Invitae Variant Classification Sherloc (09022015). Collection method: clinical testing. Allele origin: germline.
Comment: This sequence change replaces isoleucine, which is neutral and non-polar, with valine, which is neutral and non-polar, at codon 228 of the DMD protein (p.Ile228Val). This variant is not present in population databases (gnomAD no frequency). This variant has not been reported in the literature in individuals affected with DMD-related conditions. ClinVar contains an entry for this variant (Variation ID: 1492396). Advanced modeling of protein sequence and biophysical properties (such as structural, functional, and spatial information, amino acid conservation, physicochemical variation, residue mobility, and thermodynamic stability) performed at Invitae indicates that this missense variant is not expected to disrupt DMD protein function with a negative predictive value of 95%. In summary, the available evidence is currently insufficient to determine the role of this variant in disease. Therefore, it has been classified as a Variant of Uncertain Significance.

Ambry Genetics
Classification: Uncertain significance for Cardiovascular phenotype. Last evaluated: 2023-05-19. Review status: criteria provided, single submitter. Criteria: Ambry Variant Classification Scheme 2023. Collection method: clinical testing. Allele origin: germline.
Comment: The p.I228V variant (also known as c.682A>G), located in coding exon 8 of the DMD gene, results from an A to G substitution at nucleotide position 682. The isoleucine at codon 228 is replaced by valine, an amino acid with highly similar properties. This amino acid position is well conserved in available vertebrate species. In addition, this alteration is predicted to be tolerated by in silico analysis. Since supporting evidence is limited at this time, the clinical significance of this alteration remains unclear.

Literature cited by the submitters: PubMed 29386531 (cited by Ambry Genetics).

NM_004006.3(DMD):c.682A>G (p.Ile228Val)

Gene: DMD (dystrophin; minus strand). Cytogenetic location: Xp21.1.
Variant type: single nucleotide variant.
Coding change: c.682A>G on transcript NM_004006.3 (MANE Select); coding-DNA position 682, A replaced by G.
Protein change: p.Ile228Val; replaces isoleucine 228 with valine.
Molecular consequence: missense variant.
Genome position (GRCh38, 1-based): chrX:32,699,261, T>C on the plus strand (A>G on the coding strand, the complement: DMD is on the minus strand). VCF-style: chrX-32699261-T-C. GRCh37 (hg19) VCF-style: chrX-32717378-T-C.
Other names: c.658A>G, p.Ile220Val (NM_000109.4); c.670A>G, p.Ile224Val (NM_004009.3); c.313A>G, p.Ile105Val (NM_004010.3); short protein forms I220V, I105V, I228V, I224V.
Identifiers: ClinVar variation 1492396 (VCV001492396.9), dbSNP rs904314683, ClinGen allele CA328553825.